The following is an entry in ClinVar:

NM_000533.5(PLP1):c.754del (p.Val252fs)

Genes: PLP1 (proteolipid protein 1; plus strand), RAB9B (RAB9B, member RAS oncogene family; minus strand). Cytogenetic location: Xq22.2.
Variant type: Deletion.
Coding change: c.754del on transcript NM_000533.5 (MANE Select); coding-DNA position 754, one base deleted (G; older notation c.754delG).
Protein change: p.Val252fs; shifts the reading frame from valine 252.
Molecular consequence: frameshift variant.
Genome position (GRCh38, 1-based): chrX:103,789,390, G deleted; the last of 2 consecutive G bases (chrX:103,789,389-103,789,390); deleting either gives the same sequence. VCF-style (leftmost placement, unchanged base first): chrX-103789388-TG-T. GRCh37 (hg19) VCF-style: chrX-103044317-TG-T.
Other names: c.754del, p.Val252fs (NM_001128834.3); c.589del, p.Val197fs (NM_001305004.1); c.649del, p.Val217fs (NM_199478.3); short protein forms V197fs, V217fs, V252fs.
Identifiers: ClinVar variation 1878514 (VCV001878514.29), dbSNP rs2522323175, ClinGen allele CA2580100124.

ClinVar aggregate classification (germline): Pathogenic/Likely pathogenic. Review status: criteria provided, multiple submitters, no conflicts (2 of 4 stars). 2 submissions from 2 submitters: Pathogenic (1); Likely pathogenic (1). Last evaluated 2023-03-01.

Conditions:
Pelizaeus-Merzbacher disease. Also called: Pelizaeus-Merzbacher spectrum disorder; Pelizaeus-Merzbacher Disease (PMD); LEUKODYSTROPHY, HYPOMYELINATING, 1; Pelizeaus-Merzbacher spectrum disorder; Sudanophilic leukodystrophy. Identifiers: Orphanet 702, MedGen C0205711, MONDO:0010714, OMIM 312080, HP:0003269.

Submissions (2):

CeGaT Center for Human Genetics Tuebingen
Classification: Likely pathogenic. Last evaluated: 2023-03-01. Review status: criteria provided, single submitter. Criteria: CeGaT Center For Human Genetics Tuebingen Variant Classification Criteria Version 2. Collection method: clinical testing. Allele origin: germline. Affected: yes. Observed: 1 variant allele.
Comment: PLP1: PVS1:Strong, PM2, PP4

Institute of Medical Genetics and Applied Genomics, University Hospital Tübingen
Classification: Pathogenic for Pelizaeus-Merzbacher disease. Last evaluated: 2023-01-17. Review status: criteria provided, single submitter. Criteria: ACMG Guidelines, 2015. Collection method: clinical testing. Allele origin: germline. Inheritance: X-linked recessive inheritance. Affected: yes.